The following is an entry in ClinVar:

NM_001371928.1(AHDC1):c.1881del (p.Gln627fs)

Gene: AHDC1 (AT-hook DNA binding motif containing 1; minus strand). Cytogenetic location: 1p36.11.
Variant type: Deletion.
Coding change: c.1881del on transcript NM_001371928.1 (MANE Select); coding-DNA position 1881, one base deleted (G; older notation c.1881delG).
Protein change: p.Gln627fs; shifts the reading frame from glutamine 627.
Molecular consequence: frameshift variant.
Genome position (GRCh38, 1-based): chr1:27,550,235, C deleted on the plus strand (G on the coding strand, the reverse complement: AHDC1 is on the minus strand). VCF-style (leftmost placement, unchanged base first): chr1-27550234-AC-A. GRCh37 (hg19) VCF-style: chr1-27876745-AC-A.
Other names: c.1881del, p.Gln627fs (NM_001029882.3); short protein forms Q627fs.
Identifiers: ClinVar variation 208156 (VCV000208156.1), dbSNP rs796065040, ClinGen allele CA319658.

ClinVar aggregate classification (germline): Pathogenic (1 of 4 stars; one submission).

Submission:

GeneDx
Classification: Pathogenic. Last evaluated: 2014-08-15. Review status: criteria provided, single submitter. Criteria: GeneDx Variant Classification (06012015). Collection method: clinical testing. Allele origin: germline. Affected: yes.
Comment: c.1881delG: p.Gln627HisfsX105 in exon 6 in the AHDC1 gene (NM_001029882.2). The normal sequence with the base(s) that are deleted in braces is: GCCA{G}TGCG. The c.1881delG variant in the AHDC1 gene has not been reported previously as a disease-causing mutation nor as a benign polymorphism, to our knowledge. The c.1881delG variant causes a frameshift starting with codon Glutamine 627, changes this amino acid to a Histidine residue and creates a premature Stop codon at position 105 of the new reading frame, denoted p.Gln627HisfsX105. This variant is predicted to cause loss of normal protein function either through protein truncation or nonsense-mediated mRNA decay. The c.1881delG variant was not observed in approximately 6500 individuals of European and African American ancestry in the NHLBI Exome Sequencing Project, indicating it is not a common benign variant in these populations. We interpret c.1881delG as a pathogenic variant. This variant has been observed to be de novo with confirmed parentage. This variant was found in AHDC1